The following is an entry in ClinVar:

ClinVar aggregate classification (germline): Uncertain significance (1 of 4 stars; one submission).

gnomAD v4.1: 28 of 1,611,030 alleles (0.0017%); highest among the groups gnomAD compares: South Asian, 0.0033%; no homozygotes.

Submission:

GeneDx
Classification: Uncertain significance. Last evaluated: 2025-03-02. Review status: criteria provided, single submitter. Criteria: GeneDx Variant Classification Process June 2021. Collection method: clinical testing. Allele origin: germline. Affected: yes.
Comment: Not observed at significant frequency in large population cohorts (gnomAD); In silico analysis supports that this missense variant has a deleterious effect on protein structure/function; Has not been previously published as pathogenic or benign to our knowledge

NM_015378.4(VPS13D):c.6053G>A (p.Arg2018His)

Gene: VPS13D (vacuolar protein sorting 13 homolog D; plus strand). Cytogenetic location: 1p36.22.
Variant type: single nucleotide variant.
Coding change: c.6053G>A on transcript NM_015378.4 (MANE Select); coding-DNA position 6053, G replaced by A.
Protein change: p.Arg2018His; replaces arginine 2018 with histidine.
Molecular consequence: missense variant.
Genome position (GRCh38, 1-based): chr1:12,299,221, G>A. VCF-style: chr1-12299221-G-A. GRCh37 (hg19) VCF-style: chr1-12359278-G-A.
Other names: c.6053G>A, p.Arg2018His (NM_018156.4); short protein forms R2018H.
Identifiers: ClinVar variation 4082715 (VCV004082715.1).